The following is an entry in ClinVar:

NM_000059.4(BRCA2):c.6370A>C (p.Lys2124Gln)

Gene: BRCA2 (BRCA2 DNA repair associated; plus strand). Cytogenetic location: 13q13.1.
Variant type: single nucleotide variant.
Coding change: c.6370A>C on transcript NM_000059.4 (MANE Select); coding-DNA position 6370, A replaced by C.
Protein change: p.Lys2124Gln; replaces lysine 2124 with glutamine.
Molecular consequence: missense variant. On other transcripts: non-coding transcript variant (1), intron variant (2).
Genome position (GRCh38, 1-based): chr13:32,340,725, A>C. VCF-style: chr13-32340725-A-C. GRCh37 (hg19) VCF-style: chr13-32914862-A-C.
Other names: c.6370A>C, p.Lys2124Gln (NM_001406719.1, NM_001406720.1, NM_001432077.1); c.1910-3833A>C (NM_001406721.1); c.425-3833A>C (NM_001406722.1); short protein forms K2124Q.
Identifiers: ClinVar variation 4824514 (VCV004824514.1).

ClinVar aggregate classification (germline): Uncertain significance (1 of 4 stars; one submission).

Conditions:
Hereditary cancer-predisposing syndrome. Also called: Neoplastic Syndromes, Hereditary; Hereditary neoplastic syndrome; Tumor predisposition; Hereditary Cancer Syndrome. Identifiers: Orphanet 140162, MedGen C0027672, MeSH D009386, MONDO:0015356.

Submission:

Ambry Genetics
Classification: Uncertain significance for Hereditary cancer-predisposing syndrome. Last evaluated: 2026-01-17. Review status: criteria provided, single submitter. Criteria: Ambry Variant Classification Scheme 2023. Collection method: clinical testing. Allele origin: germline.
Comment: The p.K2124Q variant (also known as c.6370A>C), located in coding exon 10 of the BRCA2 gene, results from an A to C substitution at nucleotide position 6370. The lysine at codon 2124 is replaced by glutamine, an amino acid with similar properties. This amino acid position is conserved. In addition, this alteration is predicted to be tolerated by in silico analysis. Based on the available evidence, the clinical significance of this variant remains unclear.